The following is an entry in ClinVar:

ClinVar aggregate classification (germline): Conflicting classifications of pathogenicity. Review status: criteria provided, conflicting classifications (1 of 4 stars). 4 submissions from 4 submitters: Uncertain significance (1); Benign (2); Likely benign (1). Last evaluated 2024-11-27.

Conditions:
Congenital hypotonia, epilepsy, developmental delay, and digital anomalies (CHEDDA). Also called: ATN1-Related Neurodevelopmental Disorder. Identifiers: MedGen C5193125, MONDO:0032781, OMIM 618494.
Dentatorubral-pallidoluysian atrophy (DRPLA). Also called: ATAXIA, CHOREA, SEIZURES, AND DEMENTIA; HAW RIVER SYNDROME; MYOCLONIC EPILEPSY WITH CHOREOATHETOSIS; Naito Oyanagi disease. Identifiers: Orphanet 101, MedGen C0751781, MONDO:0007435, OMIM 125370.

Submissions (4):

Blueprint Genetics
Classification: Likely benign. Last evaluated: 2024-11-27. Review status: criteria provided, single submitter. Criteria: ACMG Guidelines, 2015. Collection method: clinical testing. Allele origin: germline.

Fulgent Genetics
Classification: Uncertain significance for Dentatorubral-pallidoluysian atrophy; Congenital hypotonia, epilepsy, developmental delay, and digital anomalies. Last evaluated: 2024-01-19. Review status: criteria provided, single submitter. Criteria: ACMG Guidelines, 2015. Collection method: clinical testing. Allele origin: germline.

Mayo Clinic Laboratories, Mayo Clinic
Classification: Benign. Last evaluated: 2023-03-23. Review status: criteria provided, single submitter. Criteria: ACMG Guidelines, 2015. Collection method: clinical testing. Allele origin: germline. Observed: 2 variant alleles.

CeGaT Center for Human Genetics Tuebingen
Classification: Benign. Last evaluated: 2023-03-01. Review status: criteria provided, single submitter. Criteria: CeGaT Center For Human Genetics Tuebingen Variant Classification Criteria Version 2. Collection method: clinical testing. Allele origin: germline. Affected: yes. Observed: 4 variant alleles.
Comment: ATN1: BS1, BS2

NM_001940.4(ATN1):c.1464GCA[20] (p.Gln498_Gln502dup)

Genes: ATN1 (atrophin 1; plus strand), LOC109461484 (atrophin 1 repeat instability region; plus strand). Cytogenetic location: 12p13.31.
Variant type: Microsatellite.
Coding change: c.1464GCA[20] on transcript NM_001940.4 (MANE Select); 20 copies in a row of the 3-base unit GCA starting at c.1464; the reference has 15 copies in a row; five copies, 15 bases duplicated.
Protein change: p.Gln498_Gln502dup.
Molecular consequence: inframe insertion.
Genome position (GRCh38, 1-based): chr12:6,936,761-6,936,775, GCAGCAGCAGCAGCA duplicated; duplicating any 15 consecutive bases within chr12:6,936,729-6,936,775 gives the same sequence; the position shown is the placement nearest the transcript's 3' end. VCF-style (leftmost placement, unchanged base first): chr12-6936728-A-ACAGCAGCAGCAGCAG. GRCh37 (hg19) VCF-style: chr12-7045891-A-ACAGCAGCAGCAGCAG.
Other names: p.Gln498_Gln502dup; c.1464GCA[20], p.Gln498_Gln502dup (NM_001007026.2); c.1494_1508dup (NM_001007026.2).
Identifiers: ClinVar variation 2642645 (VCV002642645.27), dbSNP rs60216939, ClinGen allele CA478518886.